The following is an entry in ClinVar:

NM_000218.3(KCNQ1):c.1033-12A>C

Gene: KCNQ1 (potassium voltage-gated channel subfamily Q member 1; plus strand). Cytogenetic location: 11p15.5.
Variant type: single nucleotide variant.
Coding change: c.1033-12A>C on transcript NM_000218.3 (MANE Select); 12 bases into the intron before coding-DNA position 1033, A replaced by C.
Molecular consequence: intron variant.
Genome position (GRCh38, 1-based): chr11:2,585,200, A>C. VCF-style: chr11-2585200-A-C. GRCh37 (hg19) VCF-style: chr11-2606430-A-C.
Other names: c.763-12A>C (NM_001406837.1); c.1032+1655A>C (NM_001406836.1); c.588+1655A>C (NM_001406838.1); c.652-12A>C (NM_181798.2).
Identifiers: ClinVar variation 1290998 (VCV001290998.11), dbSNP rs200423553, ClinGen allele CA026839.

ClinVar aggregate classification (germline): Conflicting classifications of pathogenicity. Review status: criteria provided, conflicting classifications (1 of 4 stars). 3 submissions from 3 submitters: Uncertain significance (1); Likely benign (2). Last evaluated 2023-01-23.

Conditions:
Cardiac arrhythmia. Also called: Arrhythmia; Cardiac rhythm disease. Identifiers: MedGen C0003811, MONDO:0007263, HP:0011675.
Long QT syndrome (LQTS). Identifiers: MedGen C0023976, MeSH D008133, MONDO:0002442. Disease mechanism: loss of function. Inheritance: Various modes of inheritance.

gnomAD v4.1: 5 of 1,613,222 alleles (0.00031%); highest among the groups gnomAD compares: Admixed American, 0.005%; no homozygotes.

Submissions (3):

Color Diagnostics, LLC DBA Color Health
Classification: Uncertain significance for Cardiac arrhythmia. Last evaluated: 2023-01-23. Review status: criteria provided, single submitter. Criteria: ACMG Guidelines, 2015. Collection method: clinical testing. Allele origin: germline.
Comment: This variant causes an A to C nucleotide substitution at the -12 position of intron 7 of the KCNQ1 gene. To our knowledge, functional studies have not been reported for this variant. This variant has not been reported in individuals affected with KCNQ1-related disorders in the literature. This variant has been identified in 5/251360 chromosomes in the general population by the Genome Aggregation Database (gnomAD). The available evidence is insufficient to determine the role of this variant in disease conclusively. Therefore, this variant is classified as a Variant of Uncertain Significance.

Labcorp Genetics (formerly Invitae), Labcorp
Classification: Likely benign for Long QT syndrome. Last evaluated: 2022-07-22. Review status: criteria provided, single submitter. Criteria: Invitae Variant Classification Sherloc (09022015). Collection method: clinical testing. Allele origin: germline.

GeneDx
Classification: Likely benign. Last evaluated: 2018-09-06. Review status: criteria provided, single submitter. Criteria: GeneDx Variant Classification Process June 2021. Collection method: clinical testing. Allele origin: germline. Affected: yes.